The following is an entry in ClinVar:

ClinVar aggregate classification (germline): Uncertain significance (1 of 4 stars; one submission).

Submission:

Labcorp Genetics (formerly Invitae), Labcorp
Classification: Uncertain significance. Last evaluated: 2022-04-01. Review status: criteria provided, single submitter. Criteria: Invitae Variant Classification Sherloc (09022015). Collection method: clinical testing. Allele origin: germline.
Comment: This sequence change replaces glycine, which is neutral and non-polar, with glutamic acid, which is acidic and polar, at codon 213 of the NANS protein (p.Gly213Glu). This variant is not present in population databases (gnomAD no frequency). This variant has not been reported in the literature in individuals affected with NANS-related conditions. Algorithms developed to predict the effect of missense changes on protein structure and function (SIFT, PolyPhen-2, Align-GVGD) all suggest that this variant is likely to be disruptive. Algorithms developed to predict the effect of sequence changes on RNA splicing suggest that this variant may disrupt the consensus splice site. In summary, the available evidence is currently insufficient to determine the role of this variant in disease. Therefore, it has been classified as a Variant of Uncertain Significance.

NM_018946.4(NANS):c.638G>A (p.Gly213Glu)

Genes: NANS (N-acetylneuraminate synthase; plus strand), TRIM14 (tripartite motif containing 14; minus strand). Cytogenetic location: 9q22.33.
Variant type: single nucleotide variant.
Coding change: c.638G>A on transcript NM_018946.4 (MANE Select); coding-DNA position 638, G replaced by A.
Protein change: p.Gly213Glu; replaces glycine 213 with glutamic acid.
Molecular consequence: missense variant.
Genome position (GRCh38, 1-based): chr9:98,080,850, G>A. VCF-style: chr9-98080850-G-A. GRCh37 (hg19) VCF-style: chr9-100843132-G-A.
Other names: short protein forms G213E.
Identifiers: ClinVar variation 2118904 (VCV002118904.1), dbSNP rs1829820996, ClinGen allele CA374200869.